The following is an entry in ClinVar:

NM_001291303.3(FAT4):c.5874T>C (p.Pro1958=)

Gene: FAT4 (FAT atypical cadherin 4; plus strand). Cytogenetic location: 4q28.1.
Variant type: single nucleotide variant.
Coding change: c.5874T>C on transcript NM_001291303.3 (MANE Select); coding-DNA position 5874, T replaced by C.
Protein change: p.Pro1958=; no amino-acid change (proline 1958 retained).
Molecular consequence: synonymous variant.
Genome position (GRCh38, 1-based): chr4:125,408,748, T>C. VCF-style: chr4-125408748-T-C. GRCh37 (hg19) VCF-style: chr4-126329903-T-C.
Other names: c.5874T>C, p.Pro1958= (NM_001291285.3, NM_001438396.1, NM_001438397.1 and 1 more transcripts); c.645T>C, p.Pro215= (NM_001437895.1).
Identifiers: ClinVar variation 4750705 (VCV004750705.2).

ClinVar aggregate classification (germline): Likely benign. Review status: criteria provided, multiple submitters, no conflicts (2 of 4 stars). 2 submissions from 2 submitters: Likely benign (2). Last evaluated 2026-09-01.

gnomAD v4.1: 60 of 1,603,342 alleles (0.0037%); highest among the groups gnomAD compares: Non-Finnish European, 0.0048%; no homozygotes.

Submissions (2):

CeGaT Center for Human Genetics Tuebingen
Classification: Likely benign. Last evaluated: 2026-09-01. Review status: criteria provided, single submitter. Criteria: CeGaT Center For Human Genetics Tuebingen Variant Classification Criteria Version 2. Collection method: clinical testing. Allele origin: germline. Affected: yes. Observed: 1 variant allele.
Comment: FAT4: BP4, BP7

Labcorp Genetics (formerly Invitae), Labcorp
Classification: Likely benign. Last evaluated: 2025-05-12. Review status: criteria provided, single submitter. Criteria: Invitae Variant Classification Sherloc (09022015). Collection method: clinical testing. Allele origin: germline.